The following is an entry in ClinVar:

ClinVar aggregate classification (germline): Pathogenic (1 of 4 stars; one submission).

Conditions:
Primary ciliary dyskinesia. Also called: Ciliary dyskinesia. Identifiers: Orphanet 244, MedGen C0008780, MONDO:0016575, HP:0012265.

Submission:

Labcorp Genetics (formerly Invitae), Labcorp
Classification: Pathogenic for Primary ciliary dyskinesia. Last evaluated: 2023-12-30. Review status: criteria provided, single submitter. Criteria: Invitae Variant Classification Sherloc (09022015). Collection method: clinical testing. Allele origin: germline.
Comment: This sequence change affects a donor splice site in intron 3 of the CCDC103 gene. While this variant is not anticipated to result in nonsense mediated decay, it likely alters RNA splicing and results in a disrupted protein product. This variant is not present in population databases (gnomAD no frequency). This variant has not been reported in the literature in individuals affected with CCDC103-related conditions. Variants that disrupt the consensus splice site are a relatively common cause of aberrant splicing (PMID: 17576681, 9536098). Algorithms developed to predict the effect of sequence changes on RNA splicing suggest that this variant may disrupt the consensus splice site. This variant disrupts a region of the CCDC103 protein in which other variant(s) (p.Ser190Argfs*19) have been determined to be pathogenic (Invitae). This suggests that this is a clinically significant region of the protein, and that variants that disrupt it are likely to be disease-causing. For these reasons, this variant has been classified as Pathogenic.

Literature cited by the submitters: PubMed 17576681; PubMed 9536098.

NM_213607.3(DNAAF19):c.276+1G>C

Gene: DNAAF19 (dynein axonemal assembly factor 19; plus strand). Cytogenetic location: 17q21.31.
Variant type: single nucleotide variant.
Coding change: c.276+1G>C on transcript NM_213607.3 (MANE Select); the canonical splice donor site of the intron after coding-DNA position 276, G replaced by C.
Molecular consequence: splice donor variant. On other transcripts: missense variant (2).
Genome position (GRCh38, 1-based): chr17:44,901,653, G>C. VCF-style: chr17-44901653-G-C. GRCh37 (hg19) VCF-style: chr17-42979021-G-C.
Other names: c.277G>C, p.Val93Leu (NM_001258398.3, NM_001258399.2); c.276+1G>C (NM_001258397.3, NM_001258396.2, NM_001258395.2); short protein forms V93L.
Identifiers: ClinVar variation 2706632 (VCV002706632.2), dbSNP rs1567763865, ClinGen allele CA399828514.